The following is an entry in ClinVar:

NM_017617.5(NOTCH1):c.1407C>T (p.Asp469=)

Gene: NOTCH1 (notch receptor 1; minus strand). Cytogenetic location: 9q34.3.
Variant type: single nucleotide variant.
Coding change: c.1407C>T on transcript NM_017617.5 (MANE Select); coding-DNA position 1407, C replaced by T.
Protein change: p.Asp469=; no amino-acid change (aspartic acid 469 retained).
Molecular consequence: synonymous variant.
Genome position (GRCh38, 1-based): chr9:136,517,786, G>A on the plus strand (C>T on the coding strand, the complement: NOTCH1 is on the minus strand). VCF-style: chr9-136517786-G-A. GRCh37 (hg19) VCF-style: chr9-139412238-G-A.
Identifiers: ClinVar variation 669337 (VCV000669337.16), dbSNP rs1405995623, ClinGen allele CA467718148.
Genomic context (GRCh38, chr9:136,517,786, plus strand): 5'-TCCCGCCCTGGCCCCGGCCGACGCACCGGGCATGCAGATGCACTGGAACTCCCCAATCTG[G>A]TCCAGGCAGGTGGCGTCGTTCTGGCACGGGTTCGAGACGCACTCGTTGACGTCGATCTCG-3'
Protein context (NP_060087.3, residues 459-479): NPCQNDATCL[Asp469=]QIGEFQCICM

ClinVar aggregate classification (germline): Likely benign. Review status: criteria provided, multiple submitters, no conflicts (2 of 4 stars). 8 submissions from 7 submitters: Likely benign (5). 3 of the submissions do not count toward it. Last evaluated 2026-03-01.

Conditions:
Aortic valve disease 1 (AOVD1). Identifiers: MedGen C3887892, MONDO:0024523, OMIM 109730.
Adams-Oliver syndrome 5 (AOS5). Identifiers: Orphanet 974, MedGen C4014970, MONDO:0014459, OMIM 616028.
Familial thoracic aortic aneurysm and aortic dissection (TAAD). Also called: Thoracic aortic aneurysms and dissections. Identifiers: Orphanet 91387, MedGen C4707243, MONDO:0019625.

Allele frequency attached by ClinVar (database versions not stated): gnomAD exomes below 0.00001 and 0.00001; gnomAD 0.00001; TOPMed 0.00001.
gnomAD v4.1: 4 of 1,612,608 alleles (0.00025%); highest among the groups gnomAD compares: Admixed American, 0.0033%; no homozygotes.

Submissions (8):

Ambry Genetics
Classification: Likely benign for Familial thoracic aortic aneurysm and aortic dissection. Last evaluated: 2026-03-01. Review status: criteria provided, single submitter. Criteria: Ambry Variant Classification Scheme 2023. Collection method: clinical testing. Allele origin: germline.

Labcorp Genetics (formerly Invitae), Labcorp
Classification: Likely benign for Adams-Oliver syndrome 5. Last evaluated: 2025-06-11. Review status: criteria provided, single submitter. Criteria: Invitae Variant Classification Sherloc (09022015). Collection method: clinical testing. Allele origin: germline.

Genome-Nilou Lab
Classification: Likely benign for Adams-Oliver syndrome 5. Last evaluated: 2022-03-15. Review status: criteria provided, single submitter. Criteria: ACMG Guidelines, 2015. Collection method: clinical testing. Allele origin: germline. Affected: no.

Genome-Nilou Lab
Classification: Likely benign for Aortic valve disease 1. Last evaluated: 2022-03-15. Review status: criteria provided, single submitter. Criteria: ACMG Guidelines, 2015. Collection method: clinical testing. Allele origin: germline. Affected: no.

GeneDx
Classification: Likely benign. Last evaluated: 2018-06-06. Review status: criteria provided, single submitter. Criteria: GeneDx Variant Classification (06012015). Collection method: clinical testing. Allele origin: germline. Affected: yes.
Comment: This variant is considered likely benign or benign based on one or more of the following criteria: it is a conservative change, it occurs at a poorly conserved position in the protein, it is predicted to be benign by multiple in silico algorithms, and/or has population frequency not consistent with disease.

Clinical Genetics DNA and cytogenetics Diagnostics Lab, Erasmus MC, Erasmus Medical Center
Classification: Likely benign. Review status: no assertion criteria provided. Collection method: clinical testing. Allele origin: germline. Affected: yes. Study: VKGL Data-share Consensus. Not counted in ClinVar's aggregate classification.

Genome Diagnostics Laboratory, Amsterdam University Medical Center
Classification: Likely benign. Review status: no assertion criteria provided. Collection method: clinical testing. Allele origin: germline. Affected: yes. Study: VKGL Data-share Consensus. Not counted in ClinVar's aggregate classification.

Joint Genome Diagnostic Labs from Nijmegen and Maastricht, Radboudumc and MUMC+
Classification: Likely benign. Review status: no assertion criteria provided. Collection method: clinical testing. Allele origin: germline. Affected: yes. Study: VKGL Data-share Consensus. Not counted in ClinVar's aggregate classification.